The following is an entry in ClinVar:

NM_000426.4(LAMA2):c.6275-1G>T

Gene: LAMA2 (laminin subunit alpha 2; plus strand). Cytogenetic location: 6q22.33.
Variant type: single nucleotide variant.
Coding change: c.6275-1G>T on transcript NM_000426.4 (MANE Select); the canonical splice acceptor site of the intron before coding-DNA position 6275, G replaced by T.
Molecular consequence: splice acceptor variant.
Genome position (GRCh38, 1-based): chr6:129,445,666, G>T. VCF-style: chr6-129445666-G-T. GRCh37 (hg19) VCF-style: chr6-129766811-G-T.
Other names: c.6275-1G>T (NM_001079823.2).
Identifiers: ClinVar variation 2124022 (VCV002124022.4), dbSNP rs2533398638, ClinGen allele CA365631556.
Genomic context (GRCh38, chr6:129,445,666, plus strand): 5'-TAATTCTGTGTGTGCACGTGTGTGCATGCATATACATGCACACTAATTTTGTTCTATGCA[G>T]TTGCCGATGCAGATGCCACTGTCAAAAATTTAGAACAGGAAGCTGACCGGCTAATAGATA-3'

ClinVar aggregate classification (germline): Likely pathogenic (1 of 4 stars; one submission).

Conditions:
LAMA2-related muscular dystrophy (LAMA2-RD). Also called: Laminin alpha 2-related dystrophy. Identifiers: MedGen C5679788, MONDO:0100228.

Submission:

Labcorp Genetics (formerly Invitae), Labcorp
Classification: Likely pathogenic for LAMA2-related muscular dystrophy. Last evaluated: 2022-10-24. Review status: criteria provided, single submitter. Criteria: Invitae Variant Classification Sherloc (09022015). Collection method: clinical testing. Allele origin: germline.
Comment: This variant is not present in population databases (gnomAD no frequency). This sequence change affects an acceptor splice site in intron 44 of the LAMA2 gene. It is expected to disrupt RNA splicing. Variants that disrupt the donor or acceptor splice site typically lead to a loss of protein function (PMID: 16199547), and loss-of-function variants in LAMA2 are known to be pathogenic (PMID: 18700894, 32904964). This variant has not been reported in the literature in individuals affected with LAMA2-related conditions. Algorithms developed to predict the effect of sequence changes on RNA splicing suggest that this variant may disrupt the consensus splice site. In summary, the currently available evidence indicates that the variant is pathogenic, but additional data are needed to prove that conclusively. Therefore, this variant has been classified as Likely Pathogenic.

Literature cited by the submitters: PubMed 16199547; PubMed 18700894; PubMed 32904964.